The following is an entry in ClinVar:

NM_001130965.3(SUN1):c.2312A>G (p.Tyr771Cys)

Gene: SUN1 (Sad1 and UNC84 domain containing 1; plus strand). Cytogenetic location: 7p22.3.
Variant type: single nucleotide variant.
Coding change: c.2312A>G on transcript NM_001130965.3 (MANE Select); coding-DNA position 2312, A replaced by G.
Protein change: p.Tyr771Cys; replaces tyrosine 771 with cysteine.
Molecular consequence: missense variant. On other transcripts: 3 prime UTR variant (1), non-coding transcript variant (3).
Genome position (GRCh38, 1-based): chr7:873,285, A>G. VCF-style: chr7-873285-A-G. GRCh37 (hg19) VCF-style: chr7-912922-A-G.
Other names: c.2129A>G, p.Tyr710Cys (NM_001367660.1); c.2066A>G, p.Tyr689Cys (NM_001367662.1); c.2423A>G, p.Tyr808Cys (NM_001367664.1); c.2216A>G, p.Tyr739Cys (NM_001367665.1); c.2555A>G, p.Tyr852Cys (NM_001367666.1); c.2180A>G, p.Tyr727Cys (NM_001367667.1); c.2354A>G, p.Tyr785Cys (NM_001367668.1); c.2339A>G, p.Tyr780Cys (NM_001367669.1); and 56 more; short protein forms Y618C, Y654C, Y725C, Y760C, Y766C, Y771C, Y786C, Y807C.
Identifiers: ClinVar variation 4745069 (VCV004745069.1).

ClinVar aggregate classification (germline): Uncertain significance (1 of 4 stars; one submission).

Conditions:
Emery-Dreifuss muscular dystrophy (EDMD). Also called: Scapuloperoneal syndrome, X-linked (formerly); Humeroperoneal neuromuscular disease, (formerly). Identifiers: Orphanet 261, MedGen C0410189, MONDO:0016830.

gnomAD v4.1: 9 of 1,614,246 alleles (0.00056%); highest among the groups gnomAD compares: Non-Finnish European, 0.00076%; no homozygotes.

Submission:

Labcorp Genetics (formerly Invitae), Labcorp
Classification: Uncertain significance for Emery-Dreifuss muscular dystrophy. Last evaluated: 2026-02-01. Review status: criteria provided, single submitter. Criteria: Invitae Variant Classification Sherloc (09022015). Collection method: clinical testing. Allele origin: germline.
Comment: This sequence change replaces tyrosine, which is neutral and polar, with cysteine, which is neutral and slightly polar, at codon 771 of the SUN1 protein (p.Tyr771Cys). This variant is not present in population databases (gnomAD no frequency). This variant has not been reported in the literature in individuals affected with SUN1-related conditions. An algorithm developed to predict the effect of missense changes on protein structure and function (PolyPhen-2) suggests that this variant is likely to be disruptive. In summary, the available evidence is currently insufficient to determine the role of this variant in disease. Therefore, it has been classified as a Variant of Uncertain Significance.